The following is an entry in ClinVar:

NM_020461.4(TUBGCP6):c.627C>A (p.Asp209Glu)

Gene: TUBGCP6 (tubulin gamma complex component 6; minus strand). Cytogenetic location: 22q13.33.
Variant type: single nucleotide variant.
Coding change: c.627C>A on transcript NM_020461.4 (MANE Select); coding-DNA position 627, C replaced by A.
Protein change: p.Asp209Glu; replaces aspartic acid 209 with glutamic acid.
Molecular consequence: missense variant.
Genome position (GRCh38, 1-based): chr22:50,243,833, G>T on the plus strand (C>A on the coding strand, the complement: TUBGCP6 is on the minus strand). VCF-style: chr22-50243833-G-T. GRCh37 (hg19) VCF-style: chr22-50682262-G-T.
Other names: short protein forms D209E.
Identifiers: ClinVar variation 2111697 (VCV002111697.4), dbSNP rs745400197, ClinGen allele CA325485034.

ClinVar aggregate classification (germline): Uncertain significance (1 of 4 stars; one submission).

gnomAD v4.1: 2 of 1,613,624 alleles (0.00012%); highest among the groups gnomAD compares: Admixed American, 0.0017%; no homozygotes.

Submission:

Labcorp Genetics (formerly Invitae), Labcorp
Classification: Uncertain significance. Last evaluated: 2022-05-31. Review status: criteria provided, single submitter. Criteria: Invitae Variant Classification Sherloc (09022015). Collection method: clinical testing. Allele origin: germline.
Comment: In summary, the available evidence is currently insufficient to determine the role of this variant in disease. Therefore, it has been classified as a Variant of Uncertain Significance. Algorithms developed to predict the effect of missense changes on protein structure and function output the following: SIFT: "Tolerated"; PolyPhen-2: "Benign"; Align-GVGD: "Class C0". The glutamic acid amino acid residue is found in multiple mammalian species, which suggests that this missense change does not adversely affect protein function. This variant has not been reported in the literature in individuals affected with TUBGCP6-related conditions. This variant is present in population databases (rs745400197, gnomAD 0.003%). This sequence change replaces aspartic acid, which is acidic and polar, with glutamic acid, which is acidic and polar, at codon 209 of the TUBGCP6 protein (p.Asp209Glu).